The following is an entry in ClinVar:

NM_144687.4(NLRP12):c.2344G>A (p.Val782Ile)

Gene: NLRP12 (NLR family pyrin domain containing 12; minus strand). Cytogenetic location: 19q13.42.
Variant type: single nucleotide variant.
Coding change: c.2344G>A on transcript NM_144687.4 (MANE Select); coding-DNA position 2344, G replaced by A.
Protein change: p.Val782Ile; replaces valine 782 with isoleucine.
Molecular consequence: missense variant.
Genome position (GRCh38, 1-based): chr19:53,805,350, C>T on the plus strand (G>A on the coding strand, the complement: NLRP12 is on the minus strand). VCF-style: chr19-53805350-C-T. GRCh37 (hg19) VCF-style: chr19-54308604-C-T.
Other names: c.2347G>A, p.Val783Ile (NM_001277126.2); c.2344G>A, p.Val782Ile (NM_001277129.1); short protein forms V783I, V782I.
Identifiers: ClinVar variation 3648143 (VCV003648143.2).

ClinVar aggregate classification (germline): Uncertain significance (1 of 4 stars; one submission).

Conditions:
Familial cold autoinflammatory syndrome 2 (FCAS2). Identifiers: Orphanet 247868, MedGen C2673198, MONDO:0012724, OMIM 611762.

gnomAD v4.1: 21 of 1,613,924 alleles (0.0013%); highest among the groups gnomAD compares: South Asian, 0.0033%; no homozygotes.

Submission:

Labcorp Genetics (formerly Invitae), Labcorp
Classification: Uncertain significance for Familial cold autoinflammatory syndrome 2. Last evaluated: 2024-06-05. Review status: criteria provided, single submitter. Criteria: Invitae Variant Classification Sherloc (09022015). Collection method: clinical testing. Allele origin: germline.
Comment: This sequence change replaces valine, which is neutral and non-polar, with isoleucine, which is neutral and non-polar, at codon 782 of the NLRP12 protein (p.Val782Ile). This variant is present in population databases (rs143739468, gnomAD 0.006%). This variant has not been reported in the literature in individuals affected with NLRP12-related conditions. Advanced modeling of protein sequence and biophysical properties (such as structural, functional, and spatial information, amino acid conservation, physicochemical variation, residue mobility, and thermodynamic stability) performed at Invitae indicates that this missense variant is not expected to disrupt NLRP12 protein function with a negative predictive value of 80%. In summary, the available evidence is currently insufficient to determine the role of this variant in disease. Therefore, it has been classified as a Variant of Uncertain Significance.